The following is an entry in ClinVar:

NM_000747.3(CHRNB1):c.314C>T (p.Ala105Val)

Gene: CHRNB1 (cholinergic receptor nicotinic beta 1 subunit; plus strand). Cytogenetic location: 17p13.1.
Variant type: single nucleotide variant.
Coding change: c.314C>T on transcript NM_000747.3 (MANE Select); coding-DNA position 314, C replaced by T.
Protein change: p.Ala105Val; replaces alanine 105 with valine.
Molecular consequence: missense variant.
Genome position (GRCh38, 1-based): chr17:7,446,903, C>T. VCF-style: chr17-7446903-C-T. GRCh37 (hg19) VCF-style: chr17-7350222-C-T.
Other names: short protein forms A105V.
Identifiers: ClinVar variation 659989 (VCV000659989.9), dbSNP rs866965972, ClinGen allele CA287423881.
Genomic context (GRCh38, chr17:7,446,903, plus strand): 5'-ACTACAGGCTGAGCTGGGACCCTGCGGAGCACGACGGCATCGATTCGCTCCGCATCACGG[C>T]GGAATCCGTGTGGCTCCCTGACGTGGTGCTACTGAACAAGTAGGAGAACTTCCAAAGCCC-3'
Protein context (NP_000738.2, residues 95-115): HDGIDSLRIT[Ala105Val]ESVWLPDVVL

ClinVar aggregate classification (germline): Uncertain significance. Review status: criteria provided, multiple submitters, no conflicts (2 of 4 stars). 2 submissions from 2 submitters: Uncertain significance (2). Last evaluated 2025-12-08.

Conditions:
Congenital myasthenic syndrome 2A. Also called: Myasthenic syndrome, congenital, 2a, slow-channel. Identifiers: Orphanet 590, MedGen C4225374, MONDO:0014581, OMIM 616313.
Inborn genetic diseases. Identifiers: MedGen C0950123, MeSH D030342.

Allele frequency attached by ClinVar (database versions not stated): TOPMed 0.00001; gnomAD 0.00002.
gnomAD v4.1: 7 of 1,610,916 alleles (0.00043%); highest among the groups gnomAD compares: Admixed American, 0.0033%; no homozygotes.

Submissions (2):

Ambry Genetics
Classification: Uncertain significance for Inborn genetic diseases. Last evaluated: 2025-12-08. Review status: criteria provided, single submitter. Criteria: Ambry Variant Classification Scheme 2023. Collection method: clinical testing. Allele origin: germline.

Labcorp Genetics (formerly Invitae), Labcorp
Classification: Uncertain significance for Congenital myasthenic syndrome 2A. Last evaluated: 2022-12-12. Review status: criteria provided, single submitter. Criteria: Invitae Variant Classification Sherloc (09022015). Collection method: clinical testing. Allele origin: germline.
Comment: ClinVar contains an entry for this variant (Variation ID: 659989). In summary, the available evidence is currently insufficient to determine the role of this variant in disease. Therefore, it has been classified as a Variant of Uncertain Significance. Advanced modeling of protein sequence and biophysical properties (such as structural, functional, and spatial information, amino acid conservation, physicochemical variation, residue mobility, and thermodynamic stability) performed at Invitae indicates that this missense variant is not expected to disrupt CHRNB1 protein function. This variant has not been reported in the literature in individuals affected with CHRNB1-related conditions. This variant is present in population databases (no rsID available, gnomAD 0.007%). This sequence change replaces alanine, which is neutral and non-polar, with valine, which is neutral and non-polar, at codon 105 of the CHRNB1 protein (p.Ala105Val).